The following is an entry in ClinVar:

NM_176824.3(BBS7):c.7C>A (p.Leu3Met)

Genes: BBS7 (Bardet-Biedl syndrome 7; minus strand), LOC129993036 (ATAC-STARR-seq lymphoblastoid active region 21872; plus strand). Cytogenetic location: 4q27.
Variant type: single nucleotide variant.
Coding change: c.7C>A on transcript NM_176824.3 (MANE Select); coding-DNA position 7, C replaced by A.
Protein change: p.Leu3Met; replaces leucine 3 with methionine.
Molecular consequence: missense variant.
Genome position (GRCh38, 1-based): chr4:121,870,307, G>T on the plus strand (C>A on the coding strand, the complement: BBS7 is on the minus strand). VCF-style: chr4-121870307-G-T. GRCh37 (hg19) VCF-style: chr4-122791462-G-T.
Other names: c.7C>A, p.Leu3Met (NM_018190.4); short protein forms L3M.
Identifiers: ClinVar variation 2044856 (VCV002044856.4), dbSNP rs2476662600, ClinGen allele CA358046509.

ClinVar aggregate classification (germline): Uncertain significance (1 of 4 stars; one submission).

Conditions:
Bardet-Biedl syndrome (BBS). Identifiers: Orphanet 110, MedGen C0752166, MONDO:0015229.

Allele frequency attached by ClinVar (database versions not stated): gnomAD exomes below 0.00001.

Submission:

Labcorp Genetics (formerly Invitae), Labcorp
Classification: Uncertain significance for Bardet-Biedl syndrome. Last evaluated: 2021-12-17. Review status: criteria provided, single submitter. Criteria: Invitae Variant Classification Sherloc (09022015). Collection method: clinical testing. Allele origin: germline.
Comment: This sequence change replaces leucine, which is neutral and non-polar, with methionine, which is neutral and non-polar, at codon 3 of the BBS7 protein (p.Leu3Met). This variant is not present in population databases (gnomAD no frequency). This variant has not been reported in the literature in individuals affected with BBS7-related conditions. Algorithms developed to predict the effect of missense changes on protein structure and function (SIFT, PolyPhen-2, Align-GVGD) all suggest that this variant is likely to be tolerated. In summary, the available evidence is currently insufficient to determine the role of this variant in disease. Therefore, it has been classified as a Variant of Uncertain Significance.